The following is an entry in ClinVar:

NM_005765.2(ATP6AP2):c.-157T>C

Gene: ATP6AP2 (ATPase H+ transporting accessory protein 2; plus strand). Cytogenetic location: Xp11.4.
Variant type: single nucleotide variant.
Coding change: c.-157T>C on transcript NM_005765.2; 157 bases upstream of the start codon, T replaced by C.
Genome position (GRCh38, 1-based): chrX:40,580,909, T>C. VCF-style: chrX-40580909-T-C. GRCh37 (hg19) VCF-style: chrX-40440161-T-C.
Identifiers: ClinVar variation 673879 (VCV000673879.4), dbSNP rs183187874, ClinGen allele CA328980594.

ClinVar aggregate classification (germline): Likely benign. Review status: criteria provided, multiple submitters, no conflicts (2 of 4 stars). 2 submissions from 2 submitters: Likely benign (2). Last evaluated 2018-06-19.

Allele frequency attached by ClinVar (database versions not stated): TOPMed 0.01214; 1000 Genomes Project 0.01113; gnomAD exomes 0.00123; 1000 Genomes Project 30x 0.01415; gnomAD 0.01016 and 0.01070.

Submissions (2):

GeneDx
Classification: Likely benign. Last evaluated: 2018-06-19. Review status: criteria provided, single submitter. Criteria: GeneDx Variant Classification (06012015). Collection method: clinical testing. Allele origin: germline. Affected: yes.
Comment: This variant is considered likely benign or benign based on one or more of the following criteria: it is a conservative change, it occurs at a poorly conserved position in the protein, it is predicted to be benign by multiple in silico algorithms, and/or has population frequency not consistent with disease.

Breakthrough Genomics
Classification: Likely benign. Review status: criteria provided, single submitter. Criteria: ACMG Guidelines, 2015. Collection method: not provided. Allele origin: germline. Inheritance: X-linked inheritance. Affected: yes.